The following is an entry in ClinVar:

NM_005045.4(RELN):c.8723C>T (p.Ser2908Phe)

Genes: SLC26A5-AS1 (SLC26A5 antisense RNA 1; plus strand), RELN (reelin; minus strand). Cytogenetic location: 7q22.1.
Variant type: single nucleotide variant.
Coding change: c.8723C>T on transcript NM_005045.4 (MANE Select); coding-DNA position 8723, C replaced by T.
Protein change: p.Ser2908Phe; replaces serine 2908 with phenylalanine.
Molecular consequence: missense variant.
Genome position (GRCh38, 1-based): chr7:103,498,197, G>A on the plus strand (C>T on the coding strand, the complement: RELN is on the minus strand). VCF-style: chr7-103498197-G-A. GRCh37 (hg19) VCF-style: chr7-103138644-G-A.
Other names: c.8723C>T, p.Ser2908Phe (NM_173054.3); short protein forms S2908F.
Identifiers: ClinVar variation 2945717 (VCV002945717.3), dbSNP rs774010851, ClinGen allele CA4420393.

ClinVar aggregate classification (germline): Uncertain significance (1 of 4 stars; one submission).

Conditions:
Norman-Roberts syndrome (LIS2). Also called: Lissencephaly 2 (Norman-Roberts type). Identifiers: Orphanet 89844, MedGen C0796089, MONDO:0009760, OMIM 257320.
Familial temporal lobe epilepsy 7. Identifiers: Orphanet 101046, MedGen C4225327, MONDO:0014639, OMIM 616436.

Allele frequency attached by ClinVar (database versions not stated): gnomAD 0.00001; ExAC 0.00002; gnomAD exomes 0.00002.
gnomAD v4.1: 26 of 1,613,808 alleles (0.0016%); highest among the groups gnomAD compares: Non-Finnish European, 0.0021%; no homozygotes.

Submission:

Labcorp Genetics (formerly Invitae), Labcorp
Classification: Uncertain significance for Familial temporal lobe epilepsy 7; Norman-Roberts syndrome. Last evaluated: 2025-09-27. Review status: criteria provided, single submitter. Criteria: Invitae Variant Classification Sherloc (09022015). Collection method: clinical testing. Allele origin: germline.
Comment: This sequence change replaces serine, which is neutral and polar, with phenylalanine, which is neutral and non-polar, at codon 2908 of the RELN protein (p.Ser2908Phe). This variant is present in population databases (rs774010851, gnomAD 0.004%). This variant has not been reported in the literature in individuals affected with RELN-related conditions. ClinVar contains an entry for this variant (Variation ID: 2945717). Invitae Evidence Modeling of protein sequence and biophysical properties (such as structural, functional, and spatial information, amino acid conservation, physicochemical variation, residue mobility, and thermodynamic stability) indicates that this missense variant is not expected to disrupt RELN protein function with a negative predictive value of 80%. In summary, the available evidence is currently insufficient to determine the role of this variant in disease. Therefore, it has been classified as a Variant of Uncertain Significance.